The following is an entry in ClinVar:

ClinVar aggregate classification (germline): Uncertain significance. Review status: criteria provided, multiple submitters, no conflicts (2 of 4 stars). 2 submissions from 2 submitters: Uncertain significance (2). Last evaluated 2024-02-20.

Conditions:
Idiopathic Pulmonary Fibrosis. Also called: Idiopathic fibrosing alveolitis, chronic form; idiopathic fibrosing alveolitis. Identifiers: Orphanet 2032, MedGen C1800706, MeSH D054990, MONDO:0800504.
Dyskeratosis congenita, autosomal dominant 2. Identifiers: MedGen C3151443, MONDO:0013521, OMIM 613989.
Dyskeratosis congenita. Identifiers: Orphanet 1775, MedGen C0265965, MONDO:0015780.

Allele frequency attached by ClinVar (database versions not stated): gnomAD exomes below 0.00001.
gnomAD v4.1: 2 of 1,449,788 alleles (0.00014%); highest among the groups gnomAD compares: Non-Finnish European, 0.00018%; no homozygotes.

Submissions (2):

Ambry Genetics
Classification: Uncertain significance for Dyskeratosis congenita. Last evaluated: 2024-02-20. Review status: criteria provided, single submitter. Criteria: Ambry Variant Classification Scheme 2023. Collection method: clinical testing. Allele origin: germline.
Comment: The p.Q40H variant (also known as c.120G>C), located in coding exon 1 of the TERT gene, results from a G to C substitution at nucleotide position 120. The glutamine at codon 40 is replaced by histidine, an amino acid with highly similar properties. This amino acid position is conserved. In addition, this alteration is predicted to be tolerated by in silico analysis. Based on the available evidence, the clinical significance of this alteration remains unclear.

Labcorp Genetics (formerly Invitae), Labcorp
Classification: Uncertain significance for Dyskeratosis congenita, autosomal dominant 2; Idiopathic Pulmonary Fibrosis. Last evaluated: 2021-08-27. Review status: criteria provided, single submitter. Criteria: Invitae Variant Classification Sherloc (09022015). Collection method: clinical testing. Allele origin: germline.
Comment: This sequence change replaces glutamine with histidine at codon 40 of the TERT protein (p.Gln40His). The glutamine residue is weakly conserved and there is a small physicochemical difference between glutamine and histidine. The frequency data for this variant in the population databases is considered unreliable, as metrics indicate insufficient coverage at this position in the ExAC database. This variant has not been reported in the literature in individuals affected with TERT-related conditions. Algorithms developed to predict the effect of missense changes on protein structure and function are either unavailable or do not agree on the potential impact of this missense change (SIFT: "Deleterious"; PolyPhen-2: "Possibly Damaging"; Align-GVGD: "Class C0"). In summary, the available evidence is currently insufficient to determine the role of this variant in disease. Therefore, it has been classified as a Variant of Uncertain Significance.

NM_198253.3(TERT):c.120G>C (p.Gln40His)

Genes: TERT (telomerase reverse transcriptase; minus strand), LOC110806263 (TERT 5' regulatory region; plus strand). Cytogenetic location: 5p15.33.
Variant type: single nucleotide variant.
Coding change: c.120G>C on transcript NM_198253.3 (MANE Select); coding-DNA position 120, G replaced by C.
Protein change: p.Gln40His; replaces glutamine 40 with histidine.
Molecular consequence: missense variant. On other transcripts: non-coding transcript variant (2).
Genome position (GRCh38, 1-based): chr5:1,294,870, C>G on the plus strand (G>C on the coding strand, the complement: TERT is on the minus strand). VCF-style: chr5-1294870-C-G. GRCh37 (hg19) VCF-style: chr5-1294985-C-G.
Other names: c.120G>C, p.Gln40His (NM_001193376.3); short protein forms Q40H.
Identifiers: ClinVar variation 851613 (VCV000851613.8), dbSNP rs1751294429, ClinGen allele CA359059207.